The following is an entry in ClinVar:

NM_080424.4(SP110):c.374C>G (p.Thr125Ser)

Genes: SP110 (SP110 nuclear body protein; minus strand), SP140 (SP140 nuclear body protein; plus strand). Cytogenetic location: 2q37.1.
Variant type: single nucleotide variant.
Coding change: c.374C>G on transcript NM_080424.4 (MANE Select); coding-DNA position 374, C replaced by G.
Protein change: p.Thr125Ser; replaces threonine 125 with serine.
Molecular consequence: missense variant.
Genome position (GRCh38, 1-based): chr2:230,212,970, G>C on the plus strand (C>G on the coding strand, the complement: SP110 is on the minus strand). VCF-style: chr2-230212970-G-C. GRCh37 (hg19) VCF-style: chr2-231077685-G-C.
Other names: c.392C>G, p.Thr131Ser (NM_001185015.2, NM_001378442.1, NM_001378444.1 and 2 more transcripts); c.374C>G, p.Thr125Ser (NM_001378443.1, NM_001378447.1, NM_004509.5 and 1 more transcripts); short protein forms T125S, T131S.
Identifiers: ClinVar variation 1917646 (VCV001917646.5), dbSNP rs1331247059, ClinGen allele CA350917051.

ClinVar aggregate classification (germline): Uncertain significance (1 of 4 stars; one submission).

Conditions:
Hepatic veno-occlusive disease-immunodeficiency syndrome. Also called: Hepatic Veno-Occlusive Disease with Immunodeficiency. Identifiers: Orphanet 79124, MedGen C1856128, MONDO:0009338, OMIM 235550. Disease mechanism: loss of function.

Allele frequency attached by ClinVar (database versions not stated): TOPMed 0.00001.
gnomAD v4.1: 1 of 1,614,112 alleles (0.000062%); highest among the groups gnomAD compares: Non-Finnish European, 0.000085%; no homozygotes.

Submission:

Labcorp Genetics (formerly Invitae), Labcorp
Classification: Uncertain significance for Hepatic veno-occlusive disease-immunodeficiency syndrome. Last evaluated: 2022-02-10. Review status: criteria provided, single submitter. Criteria: Invitae Variant Classification Sherloc (09022015). Collection method: clinical testing. Allele origin: germline.
Comment: This variant has not been reported in the literature in individuals affected with SP110-related conditions. Algorithms developed to predict the effect of missense changes on protein structure and function (SIFT, PolyPhen-2, Align-GVGD) all suggest that this variant is likely to be tolerated. This sequence change replaces threonine, which is neutral and polar, with serine, which is neutral and polar, at codon 125 of the SP110 protein (p.Thr125Ser). This variant is not present in population databases (gnomAD no frequency). In summary, the available evidence is currently insufficient to determine the role of this variant in disease. Therefore, it has been classified as a Variant of Uncertain Significance.